The following is an entry in ClinVar:

ClinVar aggregate classification (germline): Uncertain significance (1 of 4 stars; one submission).

Conditions:
Mitochondrial hypertrophic cardiomyopathy with lactic acidosis due to MTO1 deficiency. Also called: CARDIOMYOPATHY, INFANTILE HYPERTROPHIC MITOCHONDRIAL, AND LACTIC ACIDOSIS; Combined oxidative phosphorylation deficiency 10. Identifiers: Orphanet 314637, MedGen C4749921, MONDO:0013865, OMIM 614702.

Allele frequency attached by ClinVar (database versions not stated): gnomAD exomes below 0.00001 and 0.00001; TOPMed below 0.00001.
gnomAD v4.1: 4 of 1,614,138 alleles (0.00025%); highest among the groups gnomAD compares: Non-Finnish European, 0.00034%; no homozygotes.

Submission:

Labcorp Genetics (formerly Invitae), Labcorp
Classification: Uncertain significance for Mitochondrial hypertrophic cardiomyopathy with lactic acidosis due to MTO1 deficiency. Last evaluated: 2020-04-27. Review status: criteria provided, single submitter. Criteria: Invitae Variant Classification Sherloc (09022015). Collection method: clinical testing. Allele origin: germline.
Comment: In summary, the available evidence is currently insufficient to determine the role of this variant in disease. Therefore, it has been classified as a Variant of Uncertain Significance. Algorithms developed to predict the effect of missense changes on protein structure and function are either unavailable or do not agree on the potential impact of this missense change (SIFT: "Deleterious"; PolyPhen-2: "Probably Damaging"; Align-GVGD: "Class C0"). This variant has not been reported in the literature in individuals with MTO1-related conditions. This variant is not present in population databases (ExAC no frequency). This sequence change replaces isoleucine with threonine at codon 129 of the MTO1 protein (p.Ile129Thr). The isoleucine residue is highly conserved and there is a moderate physicochemical difference between isoleucine and threonine.

NM_012123.4(MTO1):c.386T>C (p.Ile129Thr)

Gene: MTO1 (mitochondrial tRNA translation optimization 1; plus strand). Cytogenetic location: 6q13.
Variant type: single nucleotide variant.
Coding change: c.386T>C on transcript NM_012123.4 (MANE Select); coding-DNA position 386, T replaced by C.
Protein change: p.Ile129Thr; replaces isoleucine 129 with threonine.
Molecular consequence: missense variant.
Genome position (GRCh38, 1-based): chr6:73,466,377, T>C. VCF-style: chr6-73466377-T-C. GRCh37 (hg19) VCF-style: chr6-74176100-T-C.
Other names: c.386T>C, p.Ile129Thr (NM_001123226.2, NM_133645.3); short protein forms I129T.
Identifiers: ClinVar variation 1041724 (VCV001041724.6), dbSNP rs1201307484, ClinGen allele CA364712815.